The following is an entry in ClinVar:

NM_015015.3(KDM4B):c.2642C>T (p.Thr881Ile)

Gene: KDM4B (lysine demethylase 4B; plus strand). Cytogenetic location: 19p13.3.
Variant type: single nucleotide variant.
Coding change: c.2642C>T on transcript NM_015015.3 (MANE Select); coding-DNA position 2642, C replaced by T.
Protein change: p.Thr881Ile; replaces threonine 881 with isoleucine.
Molecular consequence: missense variant.
Genome position (GRCh38, 1-based): chr19:5,144,058, C>T. VCF-style: chr19-5144058-C-T. GRCh37 (hg19) VCF-style: chr19-5144069-C-T.
Other names: c.2744C>T, p.Thr915Ile (NM_001411148.1); short protein forms T881I, T915I.
Identifiers: ClinVar variation 3373336 (VCV003373336.1).

ClinVar aggregate classification (germline): Uncertain significance (1 of 4 stars; one submission).

Submission:

GeneDx
Classification: Uncertain significance. Last evaluated: 2024-04-30. Review status: criteria provided, single submitter. Criteria: GeneDx Variant Classification Process June 2021. Collection method: clinical testing. Allele origin: germline. Affected: yes.
Comment: Not observed at significant frequency in large population cohorts (gnomAD); In silico analysis supports that this missense variant has a deleterious effect on protein structure/function; Has not been previously published as pathogenic or benign to our knowledge